The following is an entry in ClinVar:

NM_004370.6(COL12A1):c.3257G>A (p.Arg1086Gln)

Gene: COL12A1 (collagen type XII alpha 1 chain; minus strand). Cytogenetic location: 6q13.
Variant type: single nucleotide variant.
Coding change: c.3257G>A on transcript NM_004370.6 (MANE Select); coding-DNA position 3257, G replaced by A.
Protein change: p.Arg1086Gln; replaces arginine 1086 with glutamine.
Molecular consequence: missense variant. On other transcripts: intron variant (1).
Genome position (GRCh38, 1-based): chr6:75,155,848, C>T on the plus strand (G>A on the coding strand, the complement: COL12A1 is on the minus strand). VCF-style: chr6-75155848-C-T. GRCh37 (hg19) VCF-style: chr6-75865564-C-T.
Other names: c.74-3366G>A (NM_080645.3); short protein forms R1086Q.
Identifiers: ClinVar variation 2084360 (VCV002084360.9), dbSNP rs757917876, ClinGen allele CA3893762.

ClinVar aggregate classification (germline): Conflicting classifications of pathogenicity. Review status: criteria provided, conflicting classifications (1 of 4 stars). 4 submissions from 4 submitters: Uncertain significance (3); Likely benign (1). Last evaluated 2026-03-23.

Conditions:
Ullrich congenital muscular dystrophy 2 (UCMD2). Identifiers: Orphanet 75840, MedGen C4225314, MONDO:0014654, OMIM 616470.
Bethlem myopathy 2 (BTHLM2). Identifiers: Orphanet 536516, Orphanet 610, MedGen C4225313, MONDO:0034022, OMIM 616471.

Allele frequency attached by ClinVar (database versions not stated): gnomAD 0.00002; TOPMed 0.00003.
gnomAD v4.1: 10 of 1,592,734 alleles (0.00063%); highest among the groups gnomAD compares: South Asian, 0.0046%; no homozygotes.

Submissions (4):

Women's Health and Genetics/Laboratory Corporation of America, LabCorp
Classification: Uncertain significance. Last evaluated: 2026-03-23. Review status: criteria provided, single submitter. Criteria: LabCorp Variant Classification Summary - May 2015. Collection method: clinical testing. Allele origin: germline.
Comment: Variant summary: COL12A1 c.3257G>A (p.Arg1086Gln) results in a conservative amino acid change in the encoded protein sequence. Algorithms developed to predict the effect of missense changes on protein structure and function are either unavailable or do not agree on the potential impact of this missense change. The variant allele was found at a frequency of 1.3e-05 in 225056 control chromosomes. The available data on variant occurrences in the general population are insufficient to allow any conclusion about variant significance. To our knowledge, no occurrence of c.3257G>A in individuals affected with COL12A1-related conditions and no experimental evidence demonstrating its impact on protein function have been reported. ClinVar contains an entry for this variant (Variation ID: 2084360). Based on the evidence outlined above, the variant was classified as uncertain significance.

Labcorp Genetics (formerly Invitae), Labcorp
Classification: Likely benign for Bethlem myopathy 2; Ullrich congenital muscular dystrophy 2. Last evaluated: 2025-03-14. Review status: criteria provided, single submitter. Criteria: Invitae Variant Classification Sherloc (09022015). Collection method: clinical testing. Allele origin: germline.

Blueprint Genetics
Classification: Uncertain significance. Last evaluated: 2024-11-14. Review status: criteria provided, single submitter. Criteria: ACMG Guidelines, 2015. Collection method: clinical testing. Allele origin: germline.

Revvity Omics, Revvity
Classification: Uncertain significance. Last evaluated: 2022-03-03. Review status: criteria provided, single submitter. Criteria: ACMG Guidelines, 2015. Collection method: clinical testing. Allele origin: germline.